The following is an entry in ClinVar:

NM_000424.4(KRT5):c.1165A>G (p.Met389Val)

Genes: KRT5 (keratin 5; minus strand), LOC126861525 (BRD4-independent group 4 enhancer GRCh37_chr12:52909857-52911056; plus strand). Cytogenetic location: 12q13.13.
Variant type: single nucleotide variant.
Coding change: c.1165A>G on transcript NM_000424.4 (MANE Select); coding-DNA position 1165, A replaced by G.
Protein change: p.Met389Val; replaces methionine 389 with valine.
Molecular consequence: missense variant.
Genome position (GRCh38, 1-based): chr12:52,517,160, T>C on the plus strand (A>G on the coding strand, the complement: KRT5 is on the minus strand). VCF-style: chr12-52517160-T-C. GRCh37 (hg19) VCF-style: chr12-52910944-T-C.
Other names: short protein forms M389V.
Identifiers: ClinVar variation 3906791 (VCV003906791.1).

ClinVar aggregate classification (germline): Uncertain significance (1 of 4 stars; one submission).

gnomAD v4.1: 2 of 1,614,008 alleles (0.00012%); highest among the groups gnomAD compares: East Asian, 0.0022%; no homozygotes.

Submission:

GeneDx
Classification: Uncertain significance. Last evaluated: 2024-12-19. Review status: criteria provided, single submitter. Criteria: GeneDx Variant Classification Process June 2021. Collection method: clinical testing. Allele origin: germline. Affected: yes.
Comment: Has not been previously published as pathogenic or benign to our knowledge; In silico analysis indicates that this missense variant does not alter protein structure/function